The following is an entry in ClinVar:

ClinVar aggregate classification (germline): Likely pathogenic (1 of 4 stars; one submission).

Conditions:
Dilated cardiomyopathy 1G (CMD1G). Identifiers: Orphanet 154, MedGen C1858763, MONDO:0011400, OMIM 604145.
Autosomal recessive limb-girdle muscular dystrophy type 2J (LGMDR10). Also called: Limb-girdle muscular dystrophy, type 2J; MUSCULAR DYSTROPHY, LIMB-GIRDLE, AUTOSOMAL RECESSIVE 10. Identifiers: Orphanet 140922, MedGen C1837342, MONDO:0012127, OMIM 608807.

Submission:

Labcorp Genetics (formerly Invitae), Labcorp
Classification: Likely pathogenic for Dilated cardiomyopathy 1G; Autosomal recessive limb-girdle muscular dystrophy type 2J. Last evaluated: 2024-02-24. Review status: criteria provided, single submitter. Criteria: Invitae Variant Classification Sherloc (09022015). Collection method: clinical testing. Allele origin: germline.
Comment: This sequence change creates a premature translational stop signal (p.Val13071Serfs*7) in the TTN gene. While this is not anticipated to result in nonsense mediated decay, it is expected to create a truncated TTN protein. This variant is not present in population databases (gnomAD no frequency). This variant has not been reported in the literature in individuals affected with TTN-related conditions. ClinVar contains an entry for this variant (Variation ID: 1464919). This variant is located in the I band of TTN (PMID: 25589632). Truncating variants in this region have been reported in individuals affected with autosomal recessive centronuclear myopathy (PMID: 23975875, Invitae internal data). Truncating variants in this region have also been identified in individuals affected with autosomal dominant dilated cardiomyopathy and/or cardio-related conditions (PMID: 27869827, 32964742, Invitae internal data). In summary, the currently available evidence indicates that the variant is pathogenic, but additional data are needed to prove that conclusively. Therefore, this variant has been classified as Likely Pathogenic.

Literature cited by the submitters: PubMed 25589632; PubMed 23975875; PubMed 27869827; PubMed 32964742.

NM_001267550.2(TTN):c.39210del (p.Val13071fs)

Gene: TTN (titin; minus strand). Cytogenetic location: 2q31.2.
Variant type: Deletion.
Coding change: c.39210del on transcript NM_001267550.2 (MANE Select); coding-DNA position 39210, one base deleted (A; older notation c.39210delA).
Protein change: p.Val13071fs; shifts the reading frame from valine 13071.
Molecular consequence: frameshift variant. On other transcripts: intron variant (3).
Genome position (GRCh38, 1-based): chr2:178,652,265, T deleted on the plus strand (A on the coding strand, the reverse complement: TTN is on the minus strand); the first of 4 consecutive T bases (chr2:178,652,265-178,652,268); deleting any one gives the same sequence. VCF-style (leftmost placement, unchanged base first): chr2-178652264-CT-C. GRCh37 (hg19) VCF-style: chr2-179516991-CT-C.
Other names: c.34689del, p.Val11564fs (NM_001256850.1); c.31908del, p.Val10637fs (NM_133378.4); c.13283-9948del (NM_003319.4); c.13859-9948del (NM_133437.4); c.13658-9948del (NM_133432.3); short protein forms V11564fs, V13071fs, V10637fs.
Identifiers: ClinVar variation 1464919 (VCV001464919.6), dbSNP rs2154250499, ClinGen allele CA2573133913.